The following is an entry in ClinVar:

ClinVar aggregate classification (germline): Uncertain significance (1 of 4 stars; one submission).

Conditions:
Malignant hyperthermia, susceptibility to, 1 (MHS1). Also called: Anesthesia related hyperthermia; Malignant hyperpyrexia; Fulminating hyperpyrexia; Pharmacogenic myopathy; Malignant hyperthermia suceptibility 1; RYR1-Related Malignant Hyperthermia Susceptibility. Identifiers: Orphanet 423, MedGen C2930980, MONDO:0007783, OMIM 145600.

gnomAD v4.1: 1 of 1,613,436 alleles (0.000062%); highest among the groups gnomAD compares: African/African-American, 0.0013%; no homozygotes.

Submission:

All of Us Research Program, National Institutes of Health
Classification: Uncertain significance for Malignant hyperthermia, susceptibility to, 1. Last evaluated: 2024-07-20. Review status: criteria provided, single submitter. Criteria: ACMG Guidelines, 2015. Collection method: clinical testing. Allele origin: germline. Inheritance: Autosomal dominant inheritance. Observed: 1 variant allele, 1 heterozygote.
Comment: This missense variant replaces isoleucine with asparagine at codon 2969 of the RYR1 protein. Computational prediction suggests that this variant may not impact protein structure and function (internally defined REVEL score threshold <= 0.5, PMID: 27666373). To our knowledge, functional studies have not been reported for this variant. This variant has not been reported in individuals affected with RYR1-related disorders in the literature. This variant has not been identified in the general population by the Genome Aggregation Database (gnomAD). The available evidence is insufficient to determine the role of this variant in disease conclusively. Therefore, this variant is classified as a Variant of Uncertain Significance.

This study involves interpretation of variants in research participants for the purpose of population health screening. Participant phenotype was not available at the time of variant classification. Additional details can be found in publication PMID: 35346344, PMCID: PMC8962531

NM_000540.3(RYR1):c.8906T>A (p.Ile2969Asn)

Gene: RYR1 (ryanodine receptor 1; plus strand). Cytogenetic location: 19q13.2.
Variant type: single nucleotide variant.
Coding change: c.8906T>A on transcript NM_000540.3 (MANE Select); coding-DNA position 8906, T replaced by A.
Protein change: p.Ile2969Asn; replaces isoleucine 2969 with asparagine.
Molecular consequence: missense variant.
Genome position (GRCh38, 1-based): chr19:38,507,801, T>A. VCF-style: chr19-38507801-T-A. GRCh37 (hg19) VCF-style: chr19-38998441-T-A.
Other names: c.8906T>A, p.Ile2969Asn (NM_001042723.2); short protein forms I2969N.
Identifiers: ClinVar variation 3385489 (VCV003385489.1).